The following is an entry in ClinVar:

ClinVar aggregate classification (germline): Uncertain significance (1 of 4 stars; one submission).

Conditions:
Autosomal dominant nonsyndromic hearing loss 1. Also called: KONIGSMARK SYNDROME; DEAFNESS, AUTOSOMAL DOMINANT 1, WITH OR WITHOUT THROMBOCYTOPENIA. Identifiers: Orphanet 90635, MedGen C1852282, MONDO:0007424, OMIM 124900.
Progressive microcephaly-seizures-cortical blindness-developmental delay syndrome. Also called: Seizures, cortical blindness, and microcephaly syndrome. Identifiers: Orphanet 477814, MedGen C5567650, MONDO:0014714, OMIM 616632.

Submission:

Labcorp Genetics (formerly Invitae), Labcorp
Classification: Uncertain significance for Progressive microcephaly-seizures-cortical blindness-developmental delay syndrome; Autosomal dominant nonsyndromic hearing loss 1. Last evaluated: 2021-07-17. Review status: criteria provided, single submitter. Criteria: Invitae Variant Classification Sherloc (09022015). Collection method: clinical testing. Allele origin: germline.
Comment: Algorithms developed to predict the effect of missense changes on protein structure and function are either unavailable or do not agree on the potential impact of this missense change (SIFT: "Deleterious"; PolyPhen-2: "Not Available"; Align-GVGD: "Class C0"). This sequence change replaces proline with leucine at codon 730 of the DIAPH1 protein (p.Pro730Leu). The proline residue is moderately conserved and there is a moderate physicochemical difference between proline and leucine. This variant is not present in population databases (ExAC no frequency). This variant has not been reported in the literature in individuals affected with DIAPH1-related conditions. In summary, the available evidence is currently insufficient to determine the role of this variant in disease. Therefore, it has been classified as a Variant of Uncertain Significance.

NM_005219.5(DIAPH1):c.2189C>T (p.Pro730Leu)

Gene: DIAPH1 (diaphanous related formin 1; minus strand). Cytogenetic location: 5q31.3.
Variant type: single nucleotide variant.
Coding change: c.2189C>T on transcript NM_005219.5 (MANE Select); coding-DNA position 2189, C replaced by T.
Protein change: p.Pro730Leu; replaces proline 730 with leucine.
Molecular consequence: missense variant.
Genome position (GRCh38, 1-based): chr5:141,573,661, G>A on the plus strand (C>T on the coding strand, the complement: DIAPH1 is on the minus strand). VCF-style: chr5-141573661-G-A. GRCh37 (hg19) VCF-style: chr5-140953228-G-A.
Other names: c.2162C>T, p.Pro721Leu (NM_001079812.3); c.2189C>T, p.Pro730Leu (NM_001314007.2); short protein forms P730L, P721L.
Identifiers: ClinVar variation 1406240 (VCV001406240.8), dbSNP rs2154596279, ClinGen allele CA361517436.
Genomic context (GRCh38, chr5:141,573,661, plus strand): 5'-GGTGGAGGCATACCCATTCCGGGTGGAGGTGGAGGAATGCCAGGGCCTCCGGGAAATGGA[G>A]GAGGTGGAGGGATTCCAGGACCACCAGGAAGAGGGGGAGGAGGAGGTGGCATTCCTGCTT-3'
Protein context (NP_005210.3, residues 720-740): LPGGPGIPPP[Pro730Leu]PFPGGPGIPP